The following is an entry in ClinVar:

NM_003738.5(PTCH2):c.639del (p.Gln212_Trp213insTer)

Gene: PTCH2 (patched 2; minus strand). Cytogenetic location: 1p34.1.
Variant type: Deletion.
Coding change: c.639del on transcript NM_003738.5 (MANE Select); coding-DNA position 639, one base deleted (G; older notation c.639delG).
Protein change: p.Gln212_Trp213insTer.
Molecular consequence: nonsense.
Genome position (GRCh38, 1-based): chr1:44,831,022, C deleted on the plus strand (G on the coding strand, the reverse complement: PTCH2 is on the minus strand); the first of 2 consecutive C bases (chr1:44,831,022-44,831,023); deleting either gives the same sequence. VCF-style (leftmost placement, unchanged base first): chr1-44831021-TC-T. GRCh37 (hg19) VCF-style: chr1-45296693-TC-T.
Other names: c.639del, p.Gln212_Trp213insTer (NM_001166292.2).
Identifiers: ClinVar variation 1003104 (VCV001003104.7), dbSNP rs1653421669, ClinGen allele CA2473512100.

ClinVar aggregate classification (germline): Uncertain significance (1 of 4 stars; one submission).

Conditions:
Gorlin syndrome. Also called: Nevoid Basal Cell Carcinoma Syndrome; Basal cell nevus syndrome. Identifiers: Orphanet 377, MedGen C0004779, MONDO:0007187.

Submission:

Labcorp Genetics (formerly Invitae), Labcorp
Classification: Uncertain significance for Gorlin syndrome. Last evaluated: 2022-02-05. Review status: criteria provided, single submitter. Criteria: Invitae Variant Classification Sherloc (09022015). Collection method: clinical testing. Allele origin: germline.
Comment: This sequence change creates a premature translational stop signal (p.Trp213*) in the PTCH2 gene. It is expected to result in an absent or disrupted protein product. However, the current clinical and genetic evidence is not sufficient to establish whether loss-of-function variants in PTCH2 cause disease. This variant is not present in population databases (gnomAD no frequency). This variant has not been reported in the literature in individuals affected with PTCH2-related conditions. ClinVar contains an entry for this variant (Variation ID: 1003104). In summary, the available evidence is currently insufficient to determine the role of this variant in disease. Therefore, it has been classified as a Variant of Uncertain Significance.